The following is an entry in ClinVar:

NM_182914.3(SYNE2):c.16364G>A (p.Arg5455Gln)

Gene: SYNE2 (spectrin repeat containing nuclear envelope protein 2; plus strand). Cytogenetic location: 14q23.2.
Variant type: single nucleotide variant.
Coding change: c.16364G>A on transcript NM_182914.3 (MANE Select); coding-DNA position 16364, G replaced by A.
Protein change: p.Arg5455Gln; replaces arginine 5455 with glutamine.
Molecular consequence: missense variant.
Genome position (GRCh38, 1-based): chr14:64,163,466, G>A. VCF-style: chr14-64163466-G-A. GRCh37 (hg19) VCF-style: chr14-64630184-G-A.
Other names: c.16364G>A, p.Arg5455Gln (NM_015180.6); short protein forms R5455Q.
Identifiers: ClinVar variation 4798078 (VCV004798078.1).

ClinVar aggregate classification (germline): Uncertain significance (1 of 4 stars; one submission).

Conditions:
Emery-Dreifuss muscular dystrophy 5, autosomal dominant (EDMD5). Also called: EMERY-DREIFUSS MUSCULAR DYSTROPHY 5. Identifiers: Orphanet 261, MedGen C2751805, MONDO:0013072, OMIM 612999.

gnomAD v4.1: 3 of 1,613,992 alleles (0.00019%); highest among the groups gnomAD compares: African/African-American, 0.0027%; no homozygotes.

Submission:

Labcorp Genetics (formerly Invitae), Labcorp
Classification: Uncertain significance for Emery-Dreifuss muscular dystrophy 5, autosomal dominant. Last evaluated: 2025-04-26. Review status: criteria provided, single submitter. Criteria: Invitae Variant Classification Sherloc (09022015). Collection method: clinical testing. Allele origin: germline.
Comment: This sequence change replaces arginine, which is basic and polar, with glutamine, which is neutral and polar, at codon 5455 of the SYNE2 protein (p.Arg5455Gln). This variant is present in population databases (no rsID available, gnomAD 0.007%). This variant has not been reported in the literature in individuals affected with SYNE2-related conditions. An algorithm developed to predict the effect of missense changes on protein structure and function outputs the following: PolyPhen-2: "Benign". The glutamine amino acid residue is found in multiple mammalian species, which suggests that this missense change does not adversely affect protein function. In summary, the available evidence is currently insufficient to determine the role of this variant in disease. Therefore, it has been classified as a Variant of Uncertain Significance.